The following is an entry in ClinVar:

NM_000642.3(AGL):c.2702T>A (p.Leu901Ter)

Gene: AGL (amylo-alpha-1,6-glucosidase and 4-alpha-glucanotransferase; plus strand). Cytogenetic location: 1p21.2.
Variant type: single nucleotide variant.
Coding change: c.2702T>A on transcript NM_000642.3 (MANE Select); coding-DNA position 2702, T replaced by A.
Protein change: p.Leu901Ter; replaces leucine 901 with a stop codon.
Molecular consequence: nonsense.
Genome position (GRCh38, 1-based): chr1:99,887,998, T>A. VCF-style: chr1-99887998-T-A. GRCh37 (hg19) VCF-style: chr1-100353554-T-A.
Other names: c.2702T>A, p.Leu901Ter (NM_000028.3, NM_000643.3, NM_000644.3 and 2 more transcripts); c.2654T>A, p.Leu885Ter (NM_000646.3); c.2501T>A, p.Leu834Ter (NM_001425327.1); c.2498T>A, p.Leu833Ter (NM_001425328.1); c.2363T>A, p.Leu788Ter (NM_001425329.1); c.2324T>A, p.Leu775Ter (NM_001425332.1); short protein forms L885*, L901*, L775*, L788*, L833*, L834*.
Identifiers: ClinVar variation 1724886 (VCV001724886.2), dbSNP rs1557769782, ClinGen allele CA341322819.

ClinVar aggregate classification (germline): Likely pathogenic (1 of 4 stars; one submission).

Conditions:
Glycogen storage disease type III (GSD3). Also called: FORBES DISEASE; Cori disease. Identifiers: Orphanet 366, MedGen C0017922, MONDO:0009291, OMIM 232400.

Submission:

Myriad Genetics, Inc.
Classification: Likely pathogenic for Glycogen storage disease type III. Last evaluated: 2022-03-30. Review status: criteria provided, single submitter. Criteria: Myriad Women's Health Autosomal Recessive and X-Linked Classification Criteria (2021). Collection method: clinical testing. Allele origin: unknown.
Comment: NM_000642.2(AGL):c.2702T>A(L901*) is expected to be pathogenic in the context of glycogen storage disease type III. This variant is predicted to lead to an abnormal or absent protein product due to the creation of a premature termination codon in AGL, a gene where loss-of-function variants are known to be pathogenic. Please note: this variant was assessed in the context of healthy population screening.